The following is an entry in ClinVar:

NM_006206.6(PDGFRA):c.283A>T (p.Thr95Ser)

Gene: PDGFRA (platelet derived growth factor receptor alpha; plus strand). Cytogenetic location: 4q12.
Variant type: single nucleotide variant.
Coding change: c.283A>T on transcript NM_006206.6 (MANE Select); coding-DNA position 283, A replaced by T.
Protein change: p.Thr95Ser; replaces threonine 95 with serine.
Molecular consequence: missense variant.
Genome position (GRCh38, 1-based): chr4:54,261,328, A>T. VCF-style: chr4-54261328-A-T. GRCh37 (hg19) VCF-style: chr4-55127495-A-T.
Other names: c.283A>T, p.Thr95Ser (NM_001347827.2, NM_001347829.2); c.358A>T, p.Thr120Ser (NM_001347828.2); c.322A>T, p.Thr108Ser (NM_001347830.2); short protein forms T95S, T108S, T120S.
Identifiers: ClinVar variation 655790 (VCV000655790.12), dbSNP rs1577705610, ClinGen allele CA356888782.

ClinVar aggregate classification (germline): Uncertain significance. Review status: criteria provided, multiple submitters, no conflicts (2 of 4 stars). 2 submissions from 2 submitters: Uncertain significance (2). Last evaluated 2024-12-14.

Conditions:
Hereditary cancer-predisposing syndrome. Also called: Neoplastic Syndromes, Hereditary; Tumor predisposition; Hereditary Cancer Syndrome; Hereditary neoplastic syndrome. Identifiers: Orphanet 140162, MedGen C0027672, MeSH D009386, MONDO:0015356.
Gastrointestinal stromal tumor. Also called: Gastrointestinal stromal tumor, somatic; Gastrointestinal stroma tumor. Identifiers: Orphanet 44890, MedGen C0238198, MeSH D046152, MONDO:0011719, OMIM 606764, HP:0100723.

Submissions (2):

Ambry Genetics
Classification: Uncertain significance for Hereditary cancer-predisposing syndrome. Last evaluated: 2024-12-14. Review status: criteria provided, single submitter. Criteria: Ambry Variant Classification Scheme 2023. Collection method: clinical testing. Allele origin: germline.
Comment: The p.T95S variant (also known as c.283A>T), located in coding exon 2 of the PDGFRA gene, results from an A to T substitution at nucleotide position 283. The threonine at codon 95 is replaced by serine, an amino acid with similar properties. This amino acid position is conserved. In addition, this alteration is predicted to be tolerated by in silico analysis. Based on the available evidence, the clinical significance of this variant remains unclear.

Labcorp Genetics (formerly Invitae), Labcorp
Classification: Uncertain significance for Gastrointestinal stromal tumor. Last evaluated: 2022-01-07. Review status: criteria provided, single submitter. Criteria: Invitae Variant Classification Sherloc (09022015). Collection method: clinical testing. Allele origin: germline.
Comment: This sequence change replaces threonine, which is neutral and polar, with serine, which is neutral and polar, at codon 95 of the PDGFRA protein (p.Thr95Ser). This variant is not present in population databases (gnomAD no frequency). This variant has not been reported in the literature in individuals affected with PDGFRA-related conditions. ClinVar contains an entry for this variant (Variation ID: 655790). Algorithms developed to predict the effect of missense changes on protein structure and function are either unavailable or do not agree on the potential impact of this missense change (SIFT: "Tolerated"; PolyPhen-2: "Possibly Damaging"; Align-GVGD: "Class C0"). In summary, the available evidence is currently insufficient to determine the role of this variant in disease. Therefore, it has been classified as a Variant of Uncertain Significance.